The following is an entry in ClinVar:

NM_000552.5(VWF):c.2673C>A (p.Tyr891Ter)

Gene: VWF (von Willebrand factor; minus strand). Cytogenetic location: 12p13.31.
Variant type: single nucleotide variant.
Coding change: c.2673C>A on transcript NM_000552.5 (MANE Select); coding-DNA position 2673, C replaced by A.
Protein change: p.Tyr891Ter; replaces tyrosine 891 with a stop codon.
Molecular consequence: nonsense.
Genome position (GRCh38, 1-based): chr12:6,034,700, G>T on the plus strand (C>A on the coding strand, the complement: VWF is on the minus strand). VCF-style: chr12-6034700-G-T. GRCh37 (hg19) VCF-style: chr12-6143866-G-T.
Other names: short protein forms Y891*.
Identifiers: ClinVar variation 4689709 (VCV004689709.1).
Genomic context (GRCh38, chr12:6,034,700, plus strand): 5'-CCCTCCTAGAAAGAAACAGCACCCTCTCCCCATCTCCCCACCTCTCACCTGCACCAGAAC[G>T]TACTGGCACTCCCCGGGGAACAGGTATTTGAGCCCGTCGAAGGTGAGGTAGTGGGCCATG-3'

ClinVar aggregate classification (germline): Pathogenic (1 of 4 stars; one submission).

Conditions:
von Willebrand disorder (VWD). Also called: von Willebrand Diseases; Von Willebrand disease (hereditary or acquired); von Willebrand's disease. Identifiers: MedGen C0042974, MeSH D014842, MONDO:0024574.

gnomAD v4.1: 1 of 1,613,976 alleles (0.000062%); highest among the groups gnomAD compares: Non-Finnish European, 0.000085%; no homozygotes.

Submission:

Women's Health and Genetics/Laboratory Corporation of America, LabCorp
Classification: Pathogenic for von Willebrand disorder. Last evaluated: 2026-01-26. Review status: criteria provided, single submitter. Criteria: LabCorp Variant Classification Summary - May 2015. Collection method: clinical testing. Allele origin: germline.
Comment: Variant summary: VWF c.2673C>A (p.Tyr891X) results in a premature termination codon, predicted to cause a truncation of the encoded protein or absence of the protein due to nonsense mediated decay, which are commonly known mechanisms for disease. Loss of function is known to cause disease for this gene. The variant allele was found at a frequency of 4e-06 in 251458 control chromosomes. To our knowledge, no occurrence of c.2673C>A in individuals affected with VWF-related conditions and no experimental evidence demonstrating its impact on protein function have been reported. No submitters have cited clinical-significance assessments for this variant to ClinVar. Based on the evidence outlined above, the variant was classified as pathogenic.